The following is an entry in ClinVar:

NM_001166108.2(PALLD):c.3187_3190del (p.Glu1063fs)

Genes: CBR4 (carbonyl reductase 4; minus strand), PALLD (palladin, cytoskeletal associated protein; plus strand). Cytogenetic location: 4q32.3.
Variant type: Microsatellite.
Coding change: c.3187_3190del on transcript NM_001166108.2 (MANE Select); coding-DNA positions 3187 to 3190, 4 bases deleted (GAAA; older notation c.3187_3190delGAAA).
Protein change: p.Glu1063fs; shifts the reading frame from glutamic acid 1063.
Molecular consequence: frameshift variant.
Genome position (GRCh38, 1-based): chr4:168,924,383-168,924,386, GAAA deleted; deleting any 4 consecutive bases within chr4:168,924,377-168,924,386 gives the same sequence; the c. name uses the placement nearest the transcript's 3' end. VCF-style (leftmost placement, unchanged base first): chr4-168924376-GAAGA-G. GRCh37 (hg19) VCF-style: chr4-169845527-GAAGA-G.
Other names: c.1990_1993del, p.Glu664fs (NM_001166109.2); c.1675_1678del, p.Glu559fs (NM_001166110.2); c.1015_1018del, p.Glu339fs (NM_001367567.1, NM_001367569.1); c.1066_1069del, p.Glu356fs (NM_001367568.1, NM_001367570.1); c.3136_3139del, p.Glu1046fs (NM_016081.4); short protein forms E1046fs, E1063fs, E339fs, E559fs, E664fs, E356fs.
Identifiers: ClinVar variation 3927548 (VCV003927548.1).

ClinVar aggregate classification (germline): Uncertain significance (1 of 4 stars; one submission).

Submission:

Ambry Genetics
Classification: Uncertain significance. Last evaluated: 2025-05-22. Review status: criteria provided, single submitter. Criteria: Ambry Variant Classification Scheme 2023. Collection method: clinical testing. Allele origin: germline.
Comment: The c.1675_1678delGAAA variant, located in coding exon 9 of the PALLD gene, results from a deletion of 4 nucleotides at nucleotide positions 1675 to 1678, causing a translational frameshift with a predicted alternate stop codon (p.E559Mfs*11). This alteration is expected to result in loss of function by premature protein truncation or nonsense-mediated mRNA decay. The evidence for this gene-disease relationship is limited; therefore, the clinical significance of this alteration is unclear.